The following is an entry in ClinVar:

ClinVar aggregate classification (germline): Conflicting classifications of pathogenicity. Review status: criteria provided, conflicting classifications (1 of 4 stars). 7 submissions from 7 submitters: Uncertain significance (6); Likely benign (1). Last evaluated 2026-09-09.

Conditions:
Monosomy 7 myelodysplasia and leukemia syndrome 2. Identifiers: MedGen C5436668, MONDO:0030801, OMIM 619041.
Inborn genetic diseases. Identifiers: MedGen C0950123, MeSH D030342.
SAMD9-related disorder. Also called: SAMD9-related condition.

Allele frequency attached by ClinVar (database versions not stated): ESP Exome Variant Server 0.00008; TOPMed 0.00009; gnomAD exomes 0.00007 and 0.00010; ExAC 0.00008; gnomAD 0.00009 and 0.00010.
gnomAD v4.1: 155 of 1,613,590 alleles (0.0096%); highest among the groups gnomAD compares: Non-Finnish European, 0.012%; no homozygotes.

Submissions (7):

Clinical Immunology, Karolinska University Hospital
Classification: Likely benign for Monosomy 7 myelodysplasia and leukemia syndrome 2. Last evaluated: 2026-09-09. Review status: criteria provided, single submitter. Criteria: ACMG Guidelines, 2015. Collection method: clinical testing. Allele origin: germline. Inheritance: Autosomal dominant inheritance. Affected: yes.
Comment: Function in vitro studies could not show a gain of function mechanism for this variant.

Women's Health and Genetics/Laboratory Corporation of America, LabCorp
Classification: Uncertain significance. Last evaluated: 2025-10-15. Review status: criteria provided, single submitter. Criteria: LabCorp Variant Classification Summary - May 2015. Collection method: clinical testing. Allele origin: germline.
Comment: Variant summary: SAMD9 c.4658T>C (p.Ile1553Thr) results in a non-conservative amino acid change in the encoded protein sequence. Algorithms developed to predict the effect of missense changes on protein structure and function are either unavailable or do not agree on the potential impact of this missense change. The variant allele was found at a frequency of 6.8e-05 in 251200 control chromosomes. This frequency is not significantly higher than estimated for disease-causing variants in SAMD9, allowing no conclusion about variant significance. To our knowledge, no occurrence of c.4658T>C in individuals affected with SAMD9-related conditions and no experimental evidence demonstrating its impact on protein function have been reported. ClinVar contains an entry for this variant (Variation ID: 1337691). Based on the evidence outlined above, the variant was classified as uncertain significance.

Labcorp Genetics (formerly Invitae), Labcorp
Classification: Uncertain significance. Last evaluated: 2025-10-09. Review status: criteria provided, single submitter. Criteria: Invitae Variant Classification Sherloc (09022015). Collection method: clinical testing. Allele origin: germline.
Comment: This sequence change replaces isoleucine, which is neutral and non-polar, with threonine, which is neutral and polar, at codon 1553 of the SAMD9 protein (p.Ile1553Thr). This variant is present in population databases (rs146732631, gnomAD 0.02%). This variant has not been reported in the literature in individuals affected with SAMD9-related conditions. ClinVar contains an entry for this variant (Variation ID: 1337691). Invitae Evidence Modeling of protein sequence and biophysical properties (such as structural, functional, and spatial information, amino acid conservation, physicochemical variation, residue mobility, and thermodynamic stability) has been performed for this missense variant. However, the output from this modeling did not meet the statistical confidence thresholds required to predict the impact of this variant on SAMD9 protein function. In summary, the available evidence is currently insufficient to determine the role of this variant in disease. Therefore, it has been classified as a Variant of Uncertain Significance.

GeneDx
Classification: Uncertain significance. Last evaluated: 2024-12-29. Review status: criteria provided, single submitter. Criteria: GeneDx Variant Classification Process June 2021. Collection method: clinical testing. Allele origin: germline.
Comment: In silico analysis supports that this missense variant has a deleterious effect on protein structure/function; Has not been previously published as pathogenic or benign to our knowledge; This variant is associated with the following publications: (PMID: 28545555)

Ambry Genetics
Classification: Uncertain significance for Inborn genetic diseases. Last evaluated: 2024-10-15. Review status: criteria provided, single submitter. Criteria: Ambry Variant Classification Scheme 2023. Collection method: clinical testing. Allele origin: germline.
Comment: The p.I1553T variant (also known as c.4658T>C), located in coding exon 1 of the SAMD9 gene, results from a T to C substitution at nucleotide position 4658. The isoleucine at codon 1553 is replaced by threonine, an amino acid with similar properties. This amino acid position is conserved. In addition, this alteration is predicted to be tolerated by in silico analysis. Based on the available evidence, the clinical significance of this variant remains unclear.

PreventionGenetics, part of Exact Sciences
Classification: Uncertain significance for SAMD9-related condition. Last evaluated: 2023-03-10. Review status: criteria provided, single submitter. Criteria: ACMG Guidelines, 2015. Collection method: clinical testing. Allele origin: germline.
Comment: The SAMD9 c.4658T>C variant is predicted to result in the amino acid substitution p.Ile1553Thr. To our knowledge, this variant has not been reported in the literature. This variant is reported in 0.016% of alleles in individuals of European (Non-Finnish) descent in gnomAD and has conflicting interpretations of likely benign and uncertain in ClinVar. At this time, the clinical significance of this variant is uncertain due to the absence of conclusive functional and genetic evidence.

Genetic Services Laboratory, University of Chicago
Classification: Uncertain significance. Last evaluated: 2021-06-23. Review status: criteria provided, single submitter. Criteria: ACMG Guidelines, 2015. Collection method: clinical testing. Allele origin: germline. Affected: no.
Comment: DNA sequence analysis of the SAMD9 gene demonstrated a sequence change, c.4658T>C, in exon 3 that results in an amino acid change, p.Ile1553Thr. This sequence change does not appear to have been previously described in patients with SAMD9-related disorders and has been described in the gnomAD database with a low population frequency of 0.0085% (dbSNP rs146732631). The p.Ile1553Thr change affects a poorly conserved amino acid residue located in a domain of the SAMD9 protein that is not known to be functional. In-silico pathogenicity prediction tools (SIFT, PolyPhen2, Align GVGD, REVEL) provide contradictory results for the p.Ile1553Thr substitution. Due to these contrasting evidences and the lack of functional studies, the clinical significance of the p.Ile1553Thr change remains unknown at this time.

NM_017654.4(SAMD9):c.4658T>C (p.Ile1553Thr)

Gene: SAMD9 (sterile alpha motif domain containing 9; minus strand). Cytogenetic location: 7q21.2.
Variant type: single nucleotide variant.
Coding change: c.4658T>C on transcript NM_017654.4 (MANE Select); coding-DNA position 4658, T replaced by C.
Protein change: p.Ile1553Thr; replaces isoleucine 1553 with threonine.
Molecular consequence: missense variant.
Genome position (GRCh38, 1-based): chr7:93,101,440, A>G on the plus strand (T>C on the coding strand, the complement: SAMD9 is on the minus strand). VCF-style: chr7-93101440-A-G. GRCh37 (hg19) VCF-style: chr7-92730753-A-G.
Other names: c.4658T>C, p.Ile1553Thr (NM_001193307.2); short protein forms I1553T.
Identifiers: ClinVar variation 1337691 (VCV001337691.17), dbSNP rs146732631, ClinGen allele CA4342515.